The following is an entry in ClinVar:

NM_020812.4(DOCK6):c.652C>A (p.Arg218Ser)

Gene: DOCK6 (dedicator of cytokinesis 6; minus strand). Cytogenetic location: 19p13.2.
Variant type: single nucleotide variant.
Coding change: c.652C>A on transcript NM_020812.4 (MANE Select); coding-DNA position 652, C replaced by A.
Protein change: p.Arg218Ser; replaces arginine 218 with serine.
Molecular consequence: missense variant.
Genome position (GRCh38, 1-based): chr19:11,250,942, G>T on the plus strand (C>A on the coding strand, the complement: DOCK6 is on the minus strand). VCF-style: chr19-11250942-G-T. GRCh37 (hg19) VCF-style: chr19-11361618-G-T.
Other names: c.652C>A, p.Arg218Ser (NM_001367830.1); short protein forms R218S.
Identifiers: ClinVar variation 1966665 (VCV001966665.2), dbSNP rs751649365, ClinGen allele CA9208416.

ClinVar aggregate classification (germline): Uncertain significance (1 of 4 stars; one submission).

gnomAD v4.1: 2 of 1,613,340 alleles (0.00012%); highest among the groups gnomAD compares: South Asian, 0.0022%; no homozygotes.

Submission:

Labcorp Genetics (formerly Invitae), Labcorp
Classification: Uncertain significance. Last evaluated: 2022-08-10. Review status: criteria provided, single submitter. Criteria: Invitae Variant Classification Sherloc (09022015). Collection method: clinical testing. Allele origin: germline.
Comment: This sequence change replaces arginine, which is basic and polar, with serine, which is neutral and polar, at codon 218 of the DOCK6 protein (p.Arg218Ser). This variant is present in population databases (rs751649365, gnomAD 0.006%). This variant has not been reported in the literature in individuals affected with DOCK6-related conditions. Algorithms developed to predict the effect of missense changes on protein structure and function (SIFT, PolyPhen-2, Align-GVGD) all suggest that this variant is likely to be tolerated. In summary, the available evidence is currently insufficient to determine the role of this variant in disease. Therefore, it has been classified as a Variant of Uncertain Significance.